The following is an entry in ClinVar:

NM_002691.4(POLD1):c.2218A>G (p.Thr740Ala)

Gene: POLD1 (DNA polymerase delta 1, catalytic subunit; plus strand). Cytogenetic location: 19q13.33.
Variant type: single nucleotide variant.
Coding change: c.2218A>G on transcript NM_002691.4 (MANE Select); coding-DNA position 2218, A replaced by G.
Protein change: p.Thr740Ala; replaces threonine 740 with alanine.
Molecular consequence: missense variant. On other transcripts: non-coding transcript variant (1).
Genome position (GRCh38, 1-based): chr19:50,413,489, A>G. VCF-style: chr19-50413489-A-G. GRCh37 (hg19) VCF-style: chr19-50916746-A-G.
Other names: c.2218A>G, p.Thr740Ala (NM_001256849.1); c.2296A>G, p.Thr766Ala (NM_001308632.1); short protein forms T766A, T740A.
Identifiers: ClinVar variation 469243 (VCV000469243.7), dbSNP rs781629170, ClinGen allele CA9596440.
Genomic context (GRCh38, chr19:50,413,489, plus strand): 5'-GTCACGGGGTTCGGACGTCAGATGATCGAGAAAACCAAGCAGCTGGTGGAGTCTAAGTAC[A>G]CAGTGGAGAATGGCTACAGCACCAGTGCCAAGGTCGGGGGCTGCCCACCGCTGCCCTGAG-3'
Protein context (NP_002682.2, residues 730-750): KTKQLVESKY[Thr740Ala]VENGYSTSAK

ClinVar aggregate classification (germline): Uncertain significance. Review status: criteria provided, multiple submitters, no conflicts (2 of 4 stars). 2 submissions from 2 submitters: Uncertain significance (2). Last evaluated 2023-09-17.

Conditions:
POLD1-related polyposis and colorectal cancer syndrome (CRCS10). Also called: Colorectal cancer 10; COLORECTAL CANCER, SUSCEPTIBILITY TO, ON CHROMOSOME 19q; Colorectal cancer, susceptibility to, 10. Identifiers: Orphanet 220460, MedGen C2675481, MONDO:0012953, OMIM 612591.
Hereditary cancer-predisposing syndrome. Also called: Neoplastic Syndromes, Hereditary; Hereditary neoplastic syndrome; Tumor predisposition; Hereditary Cancer Syndrome. Identifiers: Orphanet 140162, MedGen C0027672, MeSH D009386, MONDO:0015356.

Allele frequency attached by ClinVar (database versions not stated): gnomAD exomes below 0.00001; ExAC 0.00001; gnomAD 0.00002; TOPMed 0.00002.
gnomAD v4.1: 4 of 1,612,318 alleles (0.00025%); highest among the groups gnomAD compares: African/African-American, 0.004%; no homozygotes.

Submissions (2):

Labcorp Genetics (formerly Invitae), Labcorp
Classification: Uncertain significance for POLD1-related polyposis and colorectal cancer syndrome. Last evaluated: 2023-09-17. Review status: criteria provided, single submitter. Criteria: Invitae Variant Classification Sherloc (09022015). Collection method: clinical testing. Allele origin: germline.
Comment: This sequence change replaces threonine, which is neutral and polar, with alanine, which is neutral and non-polar, at codon 740 of the POLD1 protein (p.Thr740Ala). This variant is present in population databases (rs781629170, gnomAD 0.007%). This variant has not been reported in the literature in individuals affected with POLD1-related conditions. ClinVar contains an entry for this variant (Variation ID: 469243). Advanced modeling of protein sequence and biophysical properties (such as structural, functional, and spatial information, amino acid conservation, physicochemical variation, residue mobility, and thermodynamic stability) has been performed at Invitae for this missense variant, however the output from this modeling did not meet the statistical confidence thresholds required to predict the impact of this variant on POLD1 protein function. RNA analysis performed to evaluate the impact of this missense change on mRNA splicing indicates it does not significantly alter splicing (Invitae). In summary, the available evidence is currently insufficient to determine the role of this variant in disease. Therefore, it has been classified as a Variant of Uncertain Significance.

Ambry Genetics
Classification: Uncertain significance for Hereditary cancer-predisposing syndrome. Last evaluated: 2021-11-16. Review status: criteria provided, single submitter. Criteria: Ambry Variant Classification Scheme 2023. Collection method: clinical testing. Allele origin: germline.
Comment: The p.T740A variant (also known as c.2218A>G), located in coding exon 17 of the POLD1 gene, results from an A to G substitution at nucleotide position 2218. The threonine at codon 740 is replaced by alanine, an amino acid with similar properties. This amino acid position is conserved. In addition, this alteration is predicted to be tolerated by in silico analysis. Since supporting evidence is limited at this time, the clinical significance of this alteration remains unclear.